The following is an entry in ClinVar:

NM_003730.6(RNASET2):c.131C>T (p.Pro44Leu)

Gene: RNASET2 (ribonuclease T2; minus strand). Cytogenetic location: 6q27.
Variant type: single nucleotide variant.
Coding change: c.131C>T on transcript NM_003730.6 (MANE Select); coding-DNA position 131, C replaced by T.
Protein change: p.Pro44Leu; replaces proline 44 with leucine.
Molecular consequence: missense variant.
Genome position (GRCh38, 1-based): chr6:166,952,504, G>A on the plus strand (C>T on the coding strand, the complement: RNASET2 is on the minus strand). VCF-style: chr6-166952504-G-A. GRCh37 (hg19) VCF-style: chr6-167365992-G-A.
Other names: short protein forms P44L.
Identifiers: ClinVar variation 930668 (VCV000930668.10), dbSNP rs372273901, ClinGen allele CA4095183.

ClinVar aggregate classification (germline): Uncertain significance. Review status: criteria provided, multiple submitters, no conflicts (2 of 4 stars). 3 submissions from 3 submitters: Uncertain significance (3). Last evaluated 2024-10-26.

Conditions:
Cystic leukoencephalopathy without megalencephaly. Identifiers: Orphanet 85136, MedGen C2751843, MONDO:0013058, OMIM 612951.
Inborn genetic diseases. Identifiers: MedGen C0950123, MeSH D030342.

Allele frequency attached by ClinVar (database versions not stated): gnomAD exomes below 0.00001 and 0.00001; TOPMed below 0.00001; gnomAD 0.00001; ExAC 0.00002; ESP Exome Variant Server 0.00008.
gnomAD v4.1: 16 of 1,613,878 alleles (0.00099%); highest among the groups gnomAD compares: Non-Finnish European, 0.0014%; no homozygotes.

Submissions (3):

Labcorp Genetics (formerly Invitae), Labcorp
Classification: Uncertain significance. Last evaluated: 2024-10-26. Review status: criteria provided, single submitter. Criteria: Invitae Variant Classification Sherloc (09022015). Collection method: clinical testing. Allele origin: germline.
Comment: This sequence change replaces proline, which is neutral and non-polar, with leucine, which is neutral and non-polar, at codon 44 of the RNASET2 protein (p.Pro44Leu). This variant is present in population databases (rs372273901, gnomAD 0.002%). This variant has not been reported in the literature in individuals affected with RNASET2-related conditions. ClinVar contains an entry for this variant (Variation ID: 930668). Invitae Evidence Modeling of protein sequence and biophysical properties (such as structural, functional, and spatial information, amino acid conservation, physicochemical variation, residue mobility, and thermodynamic stability) has been performed for this missense variant. However, the output from this modeling did not meet the statistical confidence thresholds required to predict the impact of this variant on RNASET2 protein function. In summary, the available evidence is currently insufficient to determine the role of this variant in disease. Therefore, it has been classified as a Variant of Uncertain Significance.

Ambry Genetics
Classification: Uncertain significance for Inborn genetic diseases. Last evaluated: 2023-06-22. Review status: criteria provided, single submitter. Criteria: Ambry Variant Classification Scheme 2023. Collection method: clinical testing. Allele origin: germline.

Centre for Mendelian Genomics, University Medical Centre Ljubljana
Classification: Uncertain significance for Cystic leukoencephalopathy without megalencephaly. Last evaluated: 2019-03-01. Review status: criteria provided, single submitter. Criteria: ACMG Guidelines, 2015. Collection method: clinical testing. Allele origin: unknown. Affected: yes.
Comment: This variant was classified as: Uncertain significance. The available evidence on this variant's pathogenicity is insufficient or conflicting. The following ACMG criteria were applied in classifying this variant: PM2,PP3.